The following is an entry in ClinVar:

ClinVar aggregate classification (germline): Uncertain significance. Review status: criteria provided, multiple submitters, no conflicts (2 of 4 stars). 4 submissions from 4 submitters: Uncertain significance (4). Last evaluated 2026-06-10.

Conditions:
Inborn genetic diseases. Identifiers: MedGen C0950123, MeSH D030342.

Allele frequency attached by ClinVar (database versions not stated): gnomAD exomes below 0.00001; gnomAD 0.00001; TOPMed 0.00001.

Submissions (4):

Ambry Genetics
Classification: Uncertain significance for Inborn genetic diseases. Last evaluated: 2026-06-10. Review status: criteria provided, single submitter. Criteria: Ambry Variant Classification Scheme 2023. Collection method: clinical testing. Allele origin: germline.

GeneDx
Classification: Uncertain significance. Last evaluated: 2024-07-05. Review status: criteria provided, single submitter. Criteria: GeneDx Variant Classification Process June 2021. Collection method: clinical testing. Allele origin: germline. Affected: yes.
Comment: Not observed at significant frequency in large population cohorts (gnomAD); In silico analysis supports that this missense variant has a deleterious effect on protein structure/function; Has not been previously published as pathogenic or benign to our knowledge

Labcorp Genetics (formerly Invitae), Labcorp
Classification: Uncertain significance. Last evaluated: 2022-02-01. Review status: criteria provided, single submitter. Criteria: Invitae Variant Classification Sherloc (09022015). Collection method: clinical testing. Allele origin: germline.
Comment: This sequence change replaces glutamic acid, which is acidic and polar, with lysine, which is basic and polar, at codon 228 of the MYO7A protein (p.Glu228Lys). This variant is not present in population databases (gnomAD no frequency). This variant has not been reported in the literature in individuals affected with MYO7A-related conditions. Algorithms developed to predict the effect of missense changes on protein structure and function are either unavailable or do not agree on the potential impact of this missense change (SIFT: "Deleterious"; PolyPhen-2: "Probably Damaging"; Align-GVGD: "Class C0"). In summary, the available evidence is currently insufficient to determine the role of this variant in disease. Therefore, it has been classified as a Variant of Uncertain Significance.

Blueprint Genetics
Classification: Uncertain significance. Last evaluated: 2021-06-07. Review status: criteria provided, single submitter. Criteria: ACMG Guidelines, 2015. Collection method: clinical testing. Allele origin: germline.

NM_000260.4(MYO7A):c.682G>A (p.Glu228Lys)

Gene: MYO7A (myosin VIIA; plus strand). Cytogenetic location: 11q13.5.
Variant type: single nucleotide variant.
Coding change: c.682G>A on transcript NM_000260.4 (MANE Select); coding-DNA position 682, G replaced by A.
Protein change: p.Glu228Lys; replaces glutamic acid 228 with lysine.
Molecular consequence: missense variant.
Genome position (GRCh38, 1-based): chr11:77,156,951, G>A. VCF-style: chr11-77156951-G-A. GRCh37 (hg19) VCF-style: chr11-76867997-G-A.
Other names: c.682G>A, p.Glu228Lys (NM_001127180.2); c.649G>A, p.Glu217Lys (NM_001369365.1); c.682G>A (NM_000260.3); short protein forms E217K, E228K.
Identifiers: ClinVar variation 1506740 (VCV001506740.9), dbSNP rs1952528159, ClinGen allele CA381932206.